The following is an entry in ClinVar:

ClinVar aggregate classification (germline): Uncertain significance (1 of 4 stars; one submission).

Allele frequency attached by ClinVar (database versions not stated): gnomAD exomes below 0.00001; gnomAD 0.00001; TOPMed 0.00001.
gnomAD v4.1: 2 of 693,726 alleles (0.00029%); highest among the groups gnomAD compares: Non-Finnish European, 0.00053%; no homozygotes.

Submission:

Women's Health and Genetics/Laboratory Corporation of America, LabCorp
Classification: Uncertain significance. Last evaluated: 2024-03-15. Review status: criteria provided, single submitter. Criteria: LabCorp Variant Classification Summary - May 2015. Collection method: clinical testing. Allele origin: germline.
Comment: Variant summary: RMRP n.12A>G alters a conserved nucleotide in the non-coding RNA. The variant was absent in 128810 control chromosomes (gnomAD). The available data on variant occurrences in the general population are insufficient to allow any conclusion about variant significance. n.12A>G has been reported in the literature in at least two individuals likely affected with Cartilage-Hair Hypoplasia who also harbored a second pathogenic RMRP variant, however, phase information was not available in both cases, and clinical details were not available for one case (e.g., Kwan_2012, Klee_2021). These data therefore do not allow any conclusion about variant significance. To our knowledge, no experimental evidence demonstrating an impact on protein function has been reported. The following publications have been ascertained in the context of this evaluation (PMID: 33144682, 22987807). No submitters have reported clinical-significance assessments for this variant to ClinVar. Based on the evidence outlined above, the variant was classified as uncertain significance.

Literature cited by the submitters: PubMed 33144682; PubMed 22987807.

NR_003051.4(RMRP):n.13A>G

Gene: RMRP (RNA component of mitochondrial RNA processing endoribonuclease; minus strand). Cytogenetic location: 9p13.3.
Variant type: single nucleotide variant.
Molecular consequence: non-coding transcript variant (on NR_003051.4).
Genome position: GRCh38 VCF-style: chr9-35658007-T-C. GRCh37 (hg19) VCF-style: chr9-35658004-T-C.
Identifiers: ClinVar variation 3233920 (VCV003233920.2), dbSNP rs1411595526, ClinGen allele CA464451070.
Genomic context (GRCh38, chr9:35,658,007, plus strand): 5'-TTCCCCTAGGCGGAAAGGGGAGGAACAGAGTCCTCAGTGTGTAGCCTAGGATACAGGCCT[T>C]CAGCACGAACCACGTCCTCAGCTTCACAGAGTAGTATTTTATAGCCCTAAAGAAATTGTG-3'